The following is an entry in ClinVar:

NM_002335.4(LRP5):c.3233G>A (p.Arg1078Gln)

Gene: LRP5 (LDL receptor related protein 5; plus strand). Cytogenetic location: 11q13.2.
Variant type: single nucleotide variant.
Coding change: c.3233G>A on transcript NM_002335.4 (MANE Select); coding-DNA position 3233, G replaced by A.
Protein change: p.Arg1078Gln; replaces arginine 1078 with glutamine.
Molecular consequence: missense variant.
Genome position (GRCh38, 1-based): chr11:68,423,694, G>A. VCF-style: chr11-68423694-G-A. GRCh37 (hg19) VCF-style: chr11-68191162-G-A.
Other names: c.1490G>A, p.Arg497Gln (NM_001291902.2); short protein forms R1078Q, R497Q.
Identifiers: ClinVar variation 1356994 (VCV001356994.7), dbSNP rs371323193, ClinGen allele CA6149888.
Genomic context (GRCh38, chr11:68,423,694, plus strand): 5'-TGGGGGTGGTGCTGCGTGGGGACCGCGACAAGCCCAGGGCCATCGTCGTCAACGCGGAGC[G>A]AGGGTAGGAGGCCAACGGGTGGGTGGGGGTGCTGCCCGTCCAGGCGTGCCCGCCGTGTCT-3'
Protein context (NP_002326.2, residues 1068-1088): KPRAIVVNAE[Arg1078Gln]GYLYFTNMQD

ClinVar aggregate classification (germline): Uncertain significance. Review status: criteria provided, multiple submitters, no conflicts (2 of 4 stars). 2 submissions from 2 submitters: Uncertain significance (2). Last evaluated 2021-12-21.

Conditions:
Exudative vitreoretinopathy 4 (EVR4). Identifiers: Orphanet 891, MedGen C1866176, MONDO:0011151, OMIM 601813.
Bone mineral density quantitative trait locus 1 (BMND1). Identifiers: MedGen C1866079, OMIM 601884.
Worth disease. Also called: ENDOSTEAL HYPEROSTOSIS, AUTOSOMAL DOMINANT; OSTEOSCLEROSIS, AUTOSOMAL DOMINANT; Autosomal dominant osteosclerosis, Worth type. Identifiers: Orphanet 2790, MedGen C0432273, MONDO:0007764, OMIM 144750.
Exudative vitreoretinopathy 1 (EVR1). Also called: CRISWICK-SCHEPENS SYNDROME; FEVR, AUTOSOMAL DOMINANT; Familial exudative vitreoretinopathy, autosomal dominant. Identifiers: Orphanet 891, Orphanet 90050, MedGen C1851402, MONDO:0007589, OMIM 133780.
Osteoporosis with pseudoglioma (OPPG). Also called: osteoporosis-pseudoglioma syndrome. Identifiers: Orphanet 2788, MedGen C0432252, MONDO:0009820, OMIM 259770.
Polycystic liver disease 4 with or without kidney cysts. Identifiers: MedGen C4693479, MONDO:0044327, OMIM 617875.
Osteoporosis. Identifiers: MedGen C0029456, MONDO:0005298, OMIM 166710, HP:0000939.
Autosomal dominant osteopetrosis 1 (OPTA1). Also called: OSTEOPETROSIS, AUTOSOMAL DOMINANT, TYPE I. Identifiers: Orphanet 2783, MedGen C1843330, MONDO:0011877, OMIM 607634.

Allele frequency attached by ClinVar (database versions not stated): gnomAD 0.00001; gnomAD exomes 0.00001; TOPMed 0.00002; ExAC 0.00003; ESP Exome Variant Server 0.00008.
gnomAD v4.1: 17 of 1,608,334 alleles (0.0011%); highest among the groups gnomAD compares: East Asian, 0.0045%; no homozygotes.

Submissions (2):

Fulgent Genetics
Classification: Uncertain significance for Exudative vitreoretinopathy 1; Worth disease; Osteoporosis; Osteoporosis with pseudoglioma; Exudative vitreoretinopathy 4; Bone mineral density quantitative trait locus 1; Autosomal dominant osteopetrosis 1; Polycystic liver disease 4 with or without kidney cysts. Last evaluated: 2021-12-21. Review status: criteria provided, single submitter. Criteria: ACMG Guidelines, 2015. Collection method: clinical testing. Allele origin: unknown.

Labcorp Genetics (formerly Invitae), Labcorp
Classification: Uncertain significance. Last evaluated: 2021-08-31. Review status: criteria provided, single submitter. Criteria: Invitae Variant Classification Sherloc (09022015). Collection method: clinical testing. Allele origin: germline.
Comment: This sequence change replaces arginine with glutamine at codon 1078 of the LRP5 protein (p.Arg1078Gln). The arginine residue is highly conserved and there is a small physicochemical difference between arginine and glutamine. This variant is present in population databases (rs371323193, ExAC 0.01%). This variant has not been reported in the literature in individuals affected with LRP5-related conditions. Advanced modeling of protein sequence and biophysical properties (such as structural, functional, and spatial information, amino acid conservation, physicochemical variation, residue mobility, and thermodynamic stability) performed at Invitae indicates that this missense variant is not expected to disrupt LRP5 protein function. In summary, the available evidence is currently insufficient to determine the role of this variant in disease. Therefore, it has been classified as a Variant of Uncertain Significance.